The following is an entry in ClinVar:

ClinVar aggregate classification (germline): Uncertain significance (1 of 4 stars; one submission).

gnomAD v4.1: 3 of 1,607,780 alleles (0.00019%); highest among the groups gnomAD compares: Non-Finnish European, 0.00025%; no homozygotes.

Submission:

Labcorp Genetics (formerly Invitae), Labcorp
Classification: Uncertain significance. Last evaluated: 2025-08-06. Review status: criteria provided, single submitter. Criteria: Invitae Variant Classification Sherloc (09022015). Collection method: clinical testing. Allele origin: germline.
Comment: This sequence change replaces threonine, which is neutral and polar, with lysine, which is basic and polar, at codon 543 of the ITGB3 protein (p.Thr543Lys). This variant is not present in population databases (gnomAD no frequency). This variant has not been reported in the literature in individuals affected with ITGB3-related conditions. Invitae Evidence Modeling of protein sequence and biophysical properties (such as structural, functional, and spatial information, amino acid conservation, physicochemical variation, residue mobility, and thermodynamic stability) indicates that this missense variant is not expected to disrupt ITGB3 protein function with a negative predictive value of 80%. In summary, the available evidence is currently insufficient to determine the role of this variant in disease. Therefore, it has been classified as a Variant of Uncertain Significance.

NM_000212.3(ITGB3):c.1628C>A (p.Thr543Lys)

Gene: ITGB3 (integrin subunit beta 3; plus strand). Cytogenetic location: 17q21.32.
Variant type: single nucleotide variant.
Coding change: c.1628C>A on transcript NM_000212.3 (MANE Select); coding-DNA position 1628, C replaced by A.
Protein change: p.Thr543Lys; replaces threonine 543 with lysine.
Molecular consequence: missense variant.
Genome position (GRCh38, 1-based): chr17:47,292,506, C>A. VCF-style: chr17-47292506-C-A. GRCh37 (hg19) VCF-style: chr17-45369872-C-A.
Other names: short protein forms T543K.
Identifiers: ClinVar variation 4709508 (VCV004709508.1).
Genomic context (GRCh38, chr17:47,292,506, plus strand): 5'-AGCGGGGCGAGTGCCTCTGTGGTCAATGTGTCTGCCACAGCAGTGACTTTGGCAAGATCA[C>A]GGGCAAGTACTGCGAGTGTGACGACTTCTCCTGTGTCCGCTACAAGGGGGAGATGTGCTC-3'
Protein context (NP_000203.2, residues 533-553): VCHSSDFGKI[Thr543Lys]GKYCECDDFS